The following is an entry in ClinVar:

ClinVar aggregate classification (germline): Conflicting classifications of pathogenicity. Review status: criteria provided, conflicting classifications (1 of 4 stars). 2 submissions from 2 submitters: Uncertain significance (1); Benign (1). Last evaluated 2026-03-26.

gnomAD v4.1: 3 of 1,614,192 alleles (0.00019%); highest among the groups gnomAD compares: Non-Finnish European, 0.00025%; no homozygotes.

Submissions (2):

Women's Health and Genetics/Laboratory Corporation of America, LabCorp
Classification: Uncertain significance. Last evaluated: 2026-03-26. Review status: criteria provided, single submitter. Criteria: LabCorp Variant Classification Summary - May 2015. Collection method: clinical testing. Allele origin: germline.
Comment: Variant summary: PPM1D c.1457T>C (p.Ile486Thr) results in a non-conservative amino acid change in the encoded protein sequence. Algorithms developed to predict the effect of missense changes on protein structure and function are either unavailable or do not agree on the potential impact of this missense change. The variant was absent in 251156 control chromosomes. The available data on variant occurrences in the general population are insufficient to allow any conclusion about variant significance. To our knowledge, no occurrence of c.1457T>C in individuals affected with PPM1D-related conditions and no experimental evidence demonstrating its impact on protein function have been reported. ClinVar contains an entry for this variant (Variation ID: 3697075). Based on the evidence outlined above, the variant was classified as uncertain significance.

Labcorp Genetics (formerly Invitae), Labcorp
Classification: Benign. Last evaluated: 2024-06-24. Review status: criteria provided, single submitter. Criteria: Invitae Variant Classification Sherloc (09022015). Collection method: clinical testing. Allele origin: germline.

NM_003620.4(PPM1D):c.1457T>C (p.Ile486Thr)

Gene: PPM1D (protein phosphatase, Mg2+/Mn2+ dependent 1D; plus strand). Cytogenetic location: 17q23.2.
Variant type: single nucleotide variant.
Coding change: c.1457T>C on transcript NM_003620.4 (MANE Select); coding-DNA position 1457, T replaced by C.
Protein change: p.Ile486Thr; replaces isoleucine 486 with threonine.
Molecular consequence: missense variant.
Genome position (GRCh38, 1-based): chr17:60,663,191, T>C. VCF-style: chr17-60663191-T-C. GRCh37 (hg19) VCF-style: chr17-58740552-T-C.
Other names: short protein forms I486T.
Identifiers: ClinVar variation 3697075 (VCV003697075.3).